The following continues an entry in ClinVar:

NC_000011.10:g.47337730dup

Gene: MYBPC3. ClinVar aggregate classification (germline): Pathogenic. Pathogenic (32).

Submissions 11 to 20 of 41:

North West Genomic Laboratory Hub, Manchester University NHS Foundation Trust
Classification: Pathogenic for Hypertrophic cardiomyopathy 4. Last evaluated: 2024-12-23. Review status: criteria provided, single submitter. Criteria: ACGS Best Practice Guidelines for Variant Classification in Rare Disease 2020. Collection method: clinical testing. Allele origin: germline. Affected: yes.
Comment: PP1_Str PS3_Supp PS4_Mod PVS1_VStr

Blueprint Genetics
Classification: Pathogenic for MYBPC3-related disorders. Last evaluated: 2024-11-26. Review status: criteria provided, single submitter. Criteria: ACMG Guidelines, 2015. Collection method: clinical testing. Allele origin: germline. Affected: yes. Observed: 5 variant alleles.

Ambry Genetics
Classification: Pathogenic for Cardiovascular phenotype. Last evaluated: 2024-10-24. Review status: criteria provided, single submitter. Criteria: Ambry Variant Classification Scheme 2023. Collection method: clinical testing. Allele origin: germline.
Comment: The c.2373dupG (p.W792Vfs*41) alteration, located in exon 24 (coding exon 24) of the MYBPC3 gene, consists of a duplication of G at position 2373, causing a translational frameshift with a predicted alternate stop codon after 41 amino acids. This alteration is expected to result in loss of function by premature protein truncation or nonsense-mediated mRNA decay. This variant was not reported in population-based cohorts in the Genome Aggregation Database (gnomAD). This mutation (also referred to as InsG791 and 2373_2374insG) has been identified in multiple unrelated individuals with hypertrophic cardiomyopathy (HCM), is reported to co-segregate with disease in several families, and is published as a Dutch founder mutation (Niimura, 1998; Alders, 2003; Christiaans, 2010). In the homozygous state, this mutation has been reported in a patient with neonatal lethal cardiomyopathy (Wessels, 2015). Multiple functional studies have reported this mutation to result in loss of function (Moolman, 2000; van Dijk, 2009; Marston, 2012; Wijnker, 2016). Based on the available evidence, this alteration is classified as pathogenic.

All of Us Research Program, National Institutes of Health
Classification: Pathogenic for Hypertrophic cardiomyopathy. Last evaluated: 2024-09-24. Review status: criteria provided, single submitter. Criteria: ACMG Guidelines, 2015. Collection method: clinical testing. Allele origin: germline. Inheritance: Autosomal dominant inheritance. Observed: 11 variant alleles, 11 heterozygotes.
Comment: This variant inserts 1 nucleotide in exon 24 of the fibronectin type 3 domain C6 of the MYBPC3 gene, creating a frameshift and premature translation stop signal. This variant is expected to result in an absent or non-functional protein product. RNA studies have shown that this variant creates a new splice donor site, which could also result in a frameshift and premature truncation (PMID: 10736283). A homozygous mouse model for this variant has shown a phenotype consistent with end-stage hypertrophic cardiomyopathy, severe cardiac hypertrophy, and cardiac dysfunction (PMID: 37844837). This variant has been reported in over 300 individuals affected with hypertrophic cardiomyopathy (PMID: 9562578, 14563344, 19273718, 20505798, 22115648, 22574137, 35653365, 38489124) and occurs in up to 25% of Dutch individuals affected with hypertrophic cardiomyopathy (PMID: 14563344, 20505798). A study of a large multigenerational family affected with hypertrophic cardiomyopathy has shown that penetrance of this variant is incomplete and age-dependent (PMID: 10736283). This variant has also been reported in one individual affected with dilated cardiomyopathy (PMID: 32880476), and it has also been reported in compound heterozygous or homozygous state in three Dutch neonates affected with lethal cardiomyopathy (PMID: 25335496). This variant has been identified in 3/172018 chromosomes in the general population by the Genome Aggregation Database (gnomAD). Loss of MYBPC3 function is a known mechanism of disease. Based on the available evidence, this variant is classified as Pathogenic.

This study involves interpretation of variants in research participants for the purpose of population health screening. Participant phenotype was not available at the time of variant classification. Additional details can be found in publication PMID: 35346344, PMCID: PMC8962531

ARUP Laboratories, Molecular Genetics and Genomics, ARUP Laboratories
Classification: Pathogenic. Last evaluated: 2024-07-05. Review status: criteria provided, single submitter. Criteria: ARUP Molecular Germline Variant Investigation Process 2024. Collection method: clinical testing. Allele origin: germline.
Comment: The MYBPC3 c.2373dup; p.Trp792ValfsTer41 variant (rs397515963), also known as 2373insG or InsG791, is reported in the literature as a pathogenic founder variant associated with hypertrophic cardiomyopathy (HCM), particularly in individuals of Dutch ancestry (Alders 2003, Moolman 2000, Nannenberg 2011, Niimura 1998). This variant has been reported to segregate with disease with incomplete penetrance in multiple large families affected with HCM (Alders 2003, Moolman 2000, Nannenberg 2011, Niimura 1998). This variant is reported as pathogenic by multiple laboratories in ClinVar (Variation ID: 42619) and is found in the general population with a low overall allele frequency of 0.002% (3/172018 alleles) in the Genome Aggregation Database. This variant causes a frameshift by inserting a single nucleotide, so it is predicted to result in a truncated protein or mRNA subject to nonsense-mediated decay. Computational analyses (Alamut v.2.11) also predict that this variant may impact splicing by creating a novel cryptic donor splice site, and functional analyses of the variant protein show use of the cryptic splice site, leading to a frameshift and haploinsufficiency (Moolman 2000, van Dijk 2009). Based on available information, the c.2373dup variant is considered to be pathogenic. References: Alders M et al. The 2373insG mutation in the MYBPC3 gene is a founder mutation, which accounts for nearly one-fourth of the HCM cases in the Netherlands. Eur Heart J. 2003 Oct;24(20):1848-53. PMID: 14563344 Moolman JA et al. A newly created splice donor site in exon 25 of the MyBP-C gene is responsible for inherited hypertrophic cardiomyopathy with incomplete disease penetrance. Circulation. 2000 Mar 28;101(12):1396-402. PMID: 10736283. Nannenberg EA et al. Mortality risk of untreated myosin-binding protein C-related hypertrophic cardiomyopathy: insight into the natural history. J Am Coll Cardiol. 2011 Nov 29;58(23):2406-14. PMID: 22115648 Niimura H et al. Mutations in the gene for cardiac myosin-binding protein C and late-onset familial hypertrophic cardiomyopathy. N Engl J Med. 1998 Apr 30;338(18):1248-57. PMID: 9562578. van Dijk SJ et al. Cardiac myosin-binding protein C mutations and hypertrophic cardiomyopathy: haploinsufficiency, deranged phosphorylation, and cardiomyocyte dysfunction. Circulation. 2009 Mar 24;119(11):1473-83. PMID: 19273718

Mayo Clinic Laboratories, Mayo Clinic
Classification: Pathogenic. Last evaluated: 2024-06-10. Review status: criteria provided, single submitter. Criteria: ACMG Guidelines, 2015. Collection method: clinical testing. Allele origin: germline. Observed: 2 variant alleles.
Comment: PP1_very_strong, PM2, PS3, PS4, PVS1

Greenwood Genetic Center Diagnostic Laboratories, Greenwood Genetic Center
Classification: Pathogenic for Hypertrophic cardiomyopathy 4. Last evaluated: 2023-11-01. Review status: criteria provided, single submitter. Criteria: ACMG Guidelines, 2015. Collection method: clinical testing. Allele origin: germline.
Comment: PVS1, PS4

CHEO Genetics Diagnostic Laboratory, Children's Hospital of Eastern Ontario
Classification: Pathogenic for Cardiomyopathy. Last evaluated: 2023-06-14. Review status: criteria provided, single submitter. Criteria: ACMG Guidelines, 2015. Collection method: clinical testing. Allele origin: germline.

Clinical Genetics Laboratory, Skane University Hospital Lund
Classification: Pathogenic. Last evaluated: 2022-07-13. Review status: criteria provided, single submitter. Criteria: ACMG Guidelines, 2015. Collection method: clinical testing. Allele origin: germline. Affected: yes.

Laboratory for Molecular Medicine, Mass General Brigham Personalized Medicine
Classification: Pathogenic for Hypertrophic cardiomyopathy. Last evaluated: 2022-05-03. Review status: criteria provided, single submitter. Criteria: ACMG Guidelines, 2015. Collection method: clinical testing. Allele origin: germline. Inheritance: Autosomal dominant inheritance.
Comment: The p.Trp792ValfsX41 variant in MYBPC3 has been reported in multiple individuals with hypertrophic cardiomyopathy (HCM) and has shown strong segregation with disease in multiple families (Niimura 1998 PMID: 9562578, Moolman 2000 PMID: 10736283, Maron 2001 PMID: 11499718, Ortlepp 2002 PMID: 11847170, Alders 2003 PMID: 14563344, Walsh 2017 PMID: 27532257, LMM data). This variant a likely Dutch founder variant and is estimated to account for approximately 25% of cases of HCM in the Netherlands (Alders 2003 PMID: 14563344). This variant has also been reported by other clinical laboratories in ClinVar (Variation ID 42619) and has been identified in 0.004% (3/70142) of European chromosomes by gnomAD. Please note that for diseases with clinical variability and incomplete or age-dependent penetrance, pathogenic variants may be present at a low frequency in the general population. This variant is predicted to cause a frameshift, which alters the protein’s amino acid sequence beginning at position 792 and leads to a premature termination codon 41 amino acids downstream. This alteration is then predicted to lead to a truncated or absent protein. In vitro functional studies support that this variant leads to a loss-of-function (Moolman 2000 PMID: 10736283). Heterozygous loss of function of the MYBPC3 gene is an established disease mechanism in autosomal dominant HCM. In summary, this variant meets criteria to be classified as pathogenic for autosomal dominant HCM. ACMG/AMP Criteria applied: PVS1, PS4, PP1_Strong, PM2_Supporting.